The following is an entry in ClinVar:

ClinVar aggregate classification (germline): Uncertain significance (1 of 4 stars; one submission).

Conditions:
MHC class I deficiency. Identifiers: Orphanet 34592, MedGen C6024714, MONDO:0011476.

Allele frequency attached by ClinVar (database versions not stated): gnomAD exomes 0.00002 and below 0.00001; ExAC 0.00001; TOPMed 0.00001.
gnomAD v4.1: 4 of 1,612,950 alleles (0.00025%); highest among the groups gnomAD compares: Admixed American, 0.0067%; no homozygotes.

Submission:

Labcorp Genetics (formerly Invitae), Labcorp
Classification: Uncertain significance for MHC class I deficiency 1. Last evaluated: 2022-07-25. Review status: criteria provided, single submitter. Criteria: Invitae Variant Classification Sherloc (09022015). Collection method: clinical testing. Allele origin: germline.
Comment: This sequence change replaces glycine, which is neutral and non-polar, with glutamic acid, which is acidic and polar, at codon 307 of the TAP1 protein (p.Gly307Glu). This variant is present in population databases (rs766402718, gnomAD 0.01%). This variant has not been reported in the literature in individuals affected with TAP1-related conditions. ClinVar contains an entry for this variant (Variation ID: 1492462). Algorithms developed to predict the effect of missense changes on protein structure and function are either unavailable or do not agree on the potential impact of this missense change (SIFT: "Deleterious"; PolyPhen-2: "Possibly Damaging"; Align-GVGD: "Class C0"). In summary, the available evidence is currently insufficient to determine the role of this variant in disease. Therefore, it has been classified as a Variant of Uncertain Significance.

NM_000593.6(TAP1):c.740G>A (p.Gly247Glu)

Gene: TAP1 (transporter 1, ATP binding cassette subfamily B member; minus strand). Cytogenetic location: 6p21.32.
Variant type: single nucleotide variant.
Coding change: c.740G>A on transcript NM_000593.6 (MANE Select); coding-DNA position 740, G replaced by A.
Protein change: p.Gly247Glu; replaces glycine 247 with glutamic acid.
Molecular consequence: missense variant.
Genome position (GRCh38, 1-based): chr6:32,852,213, C>T on the plus strand (G>A on the coding strand, the complement: TAP1 is on the minus strand). VCF-style: chr6-32852213-C-T. GRCh37 (hg19) VCF-style: chr6-32819990-C-T.
Other names: c.137G>A, p.Gly46Glu (NM_001292022.2); short protein forms G46E, G247E.
Identifiers: ClinVar variation 1492462 (VCV001492462.3), dbSNP rs766402718, ClinGen allele CA3746939.